The following is an entry in ClinVar:

ClinVar aggregate classification (germline): Uncertain significance. Review status: criteria provided, multiple submitters, no conflicts (2 of 4 stars). 4 submissions from 4 submitters: Uncertain significance (4). Last evaluated 2025-12-24.

Conditions:
Pigmented nodular adrenocortical disease, primary, 1 (PPNAD1). Also called: PIGMENTED MICRONODULAR ADRENOCORTICAL DISEASE, PRIMARY, 1; ADRENOCORTICAL NODULAR DYSPLASIA, PRIMARY; CUSHING SYNDROME, ADRENAL, DUE TO PPNAD1. Identifiers: Orphanet 189439, MedGen C1864846, MONDO:0012509, OMIM 610489.
Familial atrial myxoma. Identifiers: Orphanet 615, MedGen C2931787, MONDO:0009719, OMIM 255960.
Carney complex, type 1 (CNC1). Also called: CARNEY MYXOMA-ENDOCRINE COMPLEX; CARNEY COMPLEX, TYPE I. Identifiers: Orphanet 1359, MedGen C2607929, MONDO:0008057, OMIM 160980.
Acrodysostosis 1 with or without hormone resistance (ACRDYS1). Also called: ACRODYSOSTOSIS WITH HORMONE RESISTANCE; ACRODYSOSTOSIS 1 WITH HORMONE RESISTANCE; ACRODYSOSTOSIS 1 WITHOUT HORMONE RESISTANCE. Identifiers: Orphanet 280651, MedGen C3276228, MONDO:0007044, OMIM 101800.
Hereditary cancer-predisposing syndrome. Also called: Tumor predisposition; Hereditary Cancer Syndrome; Hereditary neoplastic syndrome; Neoplastic Syndromes, Hereditary. Identifiers: Orphanet 140162, MedGen C0027672, MeSH D009386, MONDO:0015356.

Allele frequency attached by ClinVar (database versions not stated): gnomAD exomes 0.00001 and 0.00002; ExAC 0.00002; gnomAD 0.00002 and 0.00010; TOPMed 0.00006.
gnomAD v4.1: 50 of 1,613,922 alleles (0.0031%); highest among the groups gnomAD compares: Non-Finnish European, 0.003%; no homozygotes.

Submissions (4):

Labcorp Genetics (formerly Invitae), Labcorp
Classification: Uncertain significance for Carney complex, type 1. Last evaluated: 2025-12-24. Review status: criteria provided, single submitter. Criteria: Invitae Variant Classification Sherloc (09022015). Collection method: clinical testing. Allele origin: germline.
Comment: This sequence change replaces arginine, which is basic and polar, with histidine, which is basic and polar, at codon 305 of the PRKAR1A protein (p.Arg305His). This variant is present in population databases (rs768253469, gnomAD 0.005%). This variant has not been reported in the literature in individuals affected with PRKAR1A-related conditions. ClinVar contains an entry for this variant (Variation ID: 486156). Invitae Evidence Modeling of protein sequence and biophysical properties (such as structural, functional, and spatial information, amino acid conservation, physicochemical variation, residue mobility, and thermodynamic stability) has been performed for this missense variant. However, the output from this modeling did not meet the statistical confidence thresholds required to predict the impact of this variant on PRKAR1A protein function. In summary, the available evidence is currently insufficient to determine the role of this variant in disease. Therefore, it has been classified as a Variant of Uncertain Significance.

Ambry Genetics
Classification: Uncertain significance for Hereditary cancer-predisposing syndrome. Last evaluated: 2025-12-07. Review status: criteria provided, single submitter. Criteria: Ambry Variant Classification Scheme 2023. Collection method: clinical testing. Allele origin: germline.
Comment: The p.R305H variant (also known as c.914G>A), located in coding exon 9 of the PRKAR1A gene, results from a G to A substitution at nucleotide position 914. The arginine at codon 305 is replaced by histidine, an amino acid with highly similar properties. This amino acid position is highly conserved in available vertebrate species. In addition, the in silico prediction for this alteration is inconclusive. Since supporting evidence is limited at this time, the clinical significance of this alteration remains unclear.

Fulgent Genetics
Classification: Uncertain significance for Acrodysostosis 1 with or without hormone resistance; Carney complex, type 1; Familial atrial myxoma; Pigmented nodular adrenocortical disease, primary, 1. Last evaluated: 2024-01-16. Review status: criteria provided, single submitter. Criteria: ACMG Guidelines, 2015. Collection method: clinical testing. Allele origin: germline.

GeneDx
Classification: Uncertain significance. Last evaluated: 2022-12-14. Review status: criteria provided, single submitter. Criteria: GeneDx Variant Classification Process June 2021. Collection method: clinical testing. Allele origin: germline. Affected: yes.
Comment: Not observed at significant frequency in large population cohorts (gnomAD); In silico analysis supports that this missense variant does not alter protein structure/function; Has not been previously published as pathogenic or benign to our knowledge; This variant is associated with the following publications: (PMID: 24363928)

NM_002734.5(PRKAR1A):c.914G>A (p.Arg305His)

Gene: PRKAR1A (protein kinase cAMP-dependent type I regulatory subunit alpha; plus strand). Cytogenetic location: 17q24.2.
Variant type: single nucleotide variant.
Coding change: c.914G>A on transcript NM_002734.5 (MANE Select); coding-DNA position 914, G replaced by A.
Protein change: p.Arg305His; replaces arginine 305 with histidine.
Molecular consequence: missense variant.
Genome position (GRCh38, 1-based): chr17:68,529,942, G>A. VCF-style: chr17-68529942-G-A. GRCh37 (hg19) VCF-style: chr17-66526083-G-A.
Other names: c.914G>A, p.Arg305His (NM_001276289.2, NM_001276290.1, NM_001278433.2 and 4 more transcripts); short protein forms R305H.
Identifiers: ClinVar variation 486156 (VCV000486156.16), dbSNP rs768253469, ClinGen allele CA8729414.
Genomic context (GRCh38, chr17:68,529,942, plus strand): 5'-GTGTGTGTTTGTTTAGCTTTTTGGTGATTTTATTATAGGGGTCAGCTGCTGTGCTACAAC[G>A]TCGGTCAGAAAATGAAGAGTTTGTTGAAGTGGGAAGATTGGGGCCTTCTGATTATTTTGG-3'
Protein context (NP_002725.1, residues 295-315): ILEGSAAVLQ[Arg305His]RSENEEFVEV